The following is an entry in ClinVar:

ClinVar aggregate classification (germline): Uncertain significance (1 of 4 stars; one submission).

Conditions:
Cohen syndrome (COH1). Also called: Cutis verticis gyrata, retinitis pigmentosa, and sensorineural deafness; PEPPER SYNDROME. Identifiers: Orphanet 193, MedGen C0265223, MONDO:0008999, OMIM 216550.

Submission:

Labcorp Genetics (formerly Invitae), Labcorp
Classification: Uncertain significance for Cohen syndrome. Last evaluated: 2022-03-26. Review status: criteria provided, single submitter. Criteria: Invitae Variant Classification Sherloc (09022015). Collection method: clinical testing. Allele origin: germline.
Comment: This sequence change replaces methionine, which is neutral and non-polar, with isoleucine, which is neutral and non-polar, at codon 2564 of the VPS13B protein (p.Met2564Ile). This variant is not present in population databases (gnomAD no frequency). This variant has not been reported in the literature in individuals affected with VPS13B-related conditions. Algorithms developed to predict the effect of missense changes on protein structure and function are either unavailable or do not agree on the potential impact of this missense change (SIFT: "Not Available"; PolyPhen-2: "Benign"; Align-GVGD: "Not Available"). In summary, the available evidence is currently insufficient to determine the role of this variant in disease. Therefore, it has been classified as a Variant of Uncertain Significance.

NM_152564.5(VPS13B):c.7617G>A (p.Met2539Ile)

Gene: VPS13B (vacuolar protein sorting 13 homolog B; plus strand). Cytogenetic location: 8q22.2.
Variant type: single nucleotide variant.
Coding change: c.7617G>A on transcript NM_152564.5 (MANE Select); coding-DNA position 7617, G replaced by A.
Protein change: p.Met2539Ile; replaces methionine 2539 with isoleucine.
Molecular consequence: missense variant.
Genome position (GRCh38, 1-based): chr8:99,778,869, G>A. VCF-style: chr8-99778869-G-A. GRCh37 (hg19) VCF-style: chr8-100791097-G-A.
Other names: c.7692G>A, p.Met2564Ile (NM_017890.5); short protein forms M2564I, M2539I.
Identifiers: ClinVar variation 2116948 (VCV002116948.4), dbSNP rs2491842802, ClinGen allele CA371876352.